The following is an entry in ClinVar:

NM_000321.3(RB1):c.2490-28del

Gene: RB1 (RB transcriptional corepressor 1; plus strand). Cytogenetic location: 13q14.2.
Variant type: Deletion.
Coding change: c.2490-28del on transcript NM_000321.3 (MANE Select); 28 bases into the intron before coding-DNA position 2490, one base deleted (T; older notation c.2490-28delT).
Molecular consequence: intron variant.
Genome position (GRCh38, 1-based): chr13:48,473,332, T deleted. VCF-style (leftmost placement, unchanged base first): chr13-48473331-CT-C. GRCh37 (hg19) VCF-style: chr13-49047467-CT-C.
Other names: c.2490-28del (NM_001407165.1).
Identifiers: ClinVar variation 4733186 (VCV004733186.1).

ClinVar aggregate classification (germline): Uncertain significance (1 of 4 stars; one submission).

Conditions:
Retinoblastoma (RB1). Also called: RETINOBLASTOMA, SOMATIC. Identifiers: Orphanet 790, MedGen C0035335, MeSH D012175, MONDO:0008380, OMIM 180200, HP:0009919. Disease mechanism: loss of function. Inheritance: Both sporadic and heritable forms are tested..

Submission:

Labcorp Genetics (formerly Invitae), Labcorp
Classification: Uncertain significance for Retinoblastoma. Last evaluated: 2025-12-18. Review status: criteria provided, single submitter. Criteria: Invitae Variant Classification Sherloc (09022015). Collection method: clinical testing. Allele origin: germline.
Comment: This sequence change falls in intron 23 of the RB1 gene. It does not directly change the encoded amino acid sequence of the RB1 protein. This variant is not present in population databases (gnomAD no frequency). This variant has not been reported in the literature in individuals affected with RB1-related conditions. Studies have shown that this variant is associated with inconclusive levels of altered splicing (internal data). In summary, the available evidence is currently insufficient to determine the role of this variant in disease. Therefore, it has been classified as a Variant of Uncertain Significance.